The following is an entry in ClinVar:

NM_006031.6(PCNT):c.6983C>T (p.Pro2328Leu)

Gene: PCNT (pericentrin; plus strand). Cytogenetic location: 21q22.3.
Variant type: single nucleotide variant.
Coding change: c.6983C>T on transcript NM_006031.6 (MANE Select); coding-DNA position 6983, C replaced by T.
Protein change: p.Pro2328Leu; replaces proline 2328 with leucine.
Molecular consequence: missense variant.
Genome position (GRCh38, 1-based): chr21:46,418,265, C>T. VCF-style: chr21-46418265-C-T. GRCh37 (hg19) VCF-style: chr21-47838179-C-T.
Other names: c.6629C>T, p.Pro2210Leu (NM_001315529.2); short protein forms P2328L, P2210L.
Identifiers: ClinVar variation 340525 (VCV000340525.8), dbSNP rs747212974, ClinGen allele CA10080482.

ClinVar aggregate classification (germline): Uncertain significance. Review status: criteria provided, multiple submitters, no conflicts (2 of 4 stars). 3 submissions from 3 submitters: Uncertain significance (2). 1 of the submissions does not count toward it. Last evaluated 2022-01-11.

Conditions:
Microcephalic osteodysplastic primordial dwarfism type II (MOPD2). Also called: Microcephalic osteodysplastic primordial dwarfism with tooth abnormalities; MOPD II; OSTEODYSPLASTIC PRIMORDIAL DWARFISM, TYPE II. Identifiers: Orphanet 2637, MedGen C0432246, MONDO:0008872, OMIM 210720.
PCNT-related disorder. Also called: PCNT-related condition.

Allele frequency attached by ClinVar (database versions not stated): ExAC 0.00001; gnomAD 0.00001 and 0.00002; gnomAD exomes 0.00002; TOPMed 0.00002.
gnomAD v4.1: 120 of 1,608,958 alleles (0.0075%); highest among the groups gnomAD compares: Non-Finnish European, 0.0098%; no homozygotes.

Submissions (3):

Labcorp Genetics (formerly Invitae), Labcorp
Classification: Uncertain significance. Last evaluated: 2022-01-11. Review status: criteria provided, single submitter. Criteria: Invitae Variant Classification Sherloc (09022015). Collection method: clinical testing. Allele origin: germline.
Comment: This sequence change replaces proline, which is neutral and non-polar, with leucine, which is neutral and non-polar, at codon 2328 of the PCNT protein (p.Pro2328Leu). This variant is present in population databases (rs747212974, gnomAD 0.004%). This variant has not been reported in the literature in individuals affected with PCNT-related conditions. ClinVar contains an entry for this variant (Variation ID: 340525). Algorithms developed to predict the effect of missense changes on protein structure and function (SIFT, PolyPhen-2, Align-GVGD) all suggest that this variant is likely to be tolerated. In summary, the available evidence is currently insufficient to determine the role of this variant in disease. Therefore, it has been classified as a Variant of Uncertain Significance.

Illumina Laboratory Services, Illumina
Classification: Uncertain significance for Microcephalic osteodysplastic primordial dwarfism type II. Last evaluated: 2018-01-13. Review status: criteria provided, single submitter. Criteria: ICSL Variant Classification Criteria 13 December 2019. Collection method: clinical testing. Allele origin: germline.

PreventionGenetics, part of Exact Sciences
Classification: Uncertain significance for PCNT-related condition. Last evaluated: 2024-06-17. Review status: no assertion criteria provided. Collection method: clinical testing. Allele origin: germline. Not counted in ClinVar's aggregate classification.
Comment: The PCNT c.6983C>T variant is predicted to result in the amino acid substitution p.Pro2328Leu. To our knowledge, this variant has not been reported in the literature. This variant is reported in 0.0035% of alleles in individuals of European (Non-Finnish) descent in gnomAD. At this time, the clinical significance of this variant is uncertain due to the absence of conclusive functional and genetic evidence.